The following is an entry in ClinVar:

NM_000138.5(FBN1):c.3442C>G (p.Pro1148Ala)

Gene: FBN1 (fibrillin 1; minus strand). Cytogenetic location: 15q21.1.
Variant type: single nucleotide variant.
Coding change: c.3442C>G on transcript NM_000138.5 (MANE Select); coding-DNA position 3442, C replaced by G.
Protein change: p.Pro1148Ala; replaces proline 1148 with alanine.
Molecular consequence: missense variant.
Genome position (GRCh38, 1-based): chr15:48,487,333, G>C on the plus strand (C>G on the coding strand, the complement: FBN1 is on the minus strand). VCF-style: chr15-48487333-G-C. GRCh37 (hg19) VCF-style: chr15-48779530-G-C.
Other names: p.P1148A:CCC>GCC; short protein forms P1148A.
Identifiers: ClinVar variation 36065 (VCV000036065.50), dbSNP rs140598, ClinGen allele CA014126.

ClinVar aggregate classification (germline): Benign. Review status: criteria provided, multiple submitters, no conflicts (2 of 4 stars). 27 submissions from 21 submitters: Benign (23). 4 of the submissions do not count toward it. Last evaluated 2026-02-04.

Conditions:
Connective tissue disorder. Also called: Connective tissue disease. Identifiers: MedGen C0009782, MONDO:0003900.
Weill-Marchesani syndrome. Also called: WM Syndrome; Mesodermal dysmorphodystrophy congenital. Identifiers: Orphanet 3449, MedGen C0265313, MONDO:0018096.
Geleophysic dysplasia. Identifiers: Orphanet 2623, MedGen C3489726, MONDO:0000127.
Familial thoracic aortic aneurysm and aortic dissection (TAAD). Also called: Thoracic aortic aneurysms and dissections. Identifiers: Orphanet 91387, MedGen C4707243, MONDO:0019625.
Marfan syndrome (MFS). Also called: FBN1-Related Marfan Syndrome; Marfan syndrome type 1; Marfan's syndrome; Marfan syndrome, classic; MARFAN SYNDROME, TYPE I. Identifiers: Orphanet 284963, Orphanet 558, MedGen C0024796, MONDO:0007947, OMIM 154700.
FNB1 POLYMORPHISM.
Acromicric dysplasia (ACMICD). Also called: Acromicric skeletal dysplasia. Identifiers: Orphanet 969, MedGen C0265287, MONDO:0007055, OMIM 102370.
Stiff skin syndrome (SSKS). Identifiers: Orphanet 2833, MedGen C1861456, MONDO:0008492, OMIM 184900.
Ectopia lentis 1, isolated, autosomal dominant (ECTOL1). Identifiers: Orphanet 1885, MedGen C3541518, MONDO:0007514, OMIM 129600.

Allele frequency attached by ClinVar (database versions not stated): ESP Exome Variant Server 0.00362; 1000 Genomes Project 0.05970; gnomAD 0.01690 and 0.01315; TOPMed 0.02138; ExAC 0.02880; gnomAD exomes 0.03157; 1000 Genomes Project 30x 0.05621.
gnomAD v4.1: 19,840 of 1,614,216 alleles (1.2%); highest among the groups gnomAD compares: East Asian, 26%; 1,844 homozygotes.

Submissions (27):

Labcorp Genetics (formerly Invitae), Labcorp
Classification: Benign for Marfan syndrome; Familial thoracic aortic aneurysm and aortic dissection. Last evaluated: 2026-02-04. Review status: criteria provided, single submitter. Criteria: Invitae Variant Classification Sherloc (09022015). Collection method: clinical testing. Allele origin: germline.

ARUP Laboratories, Molecular Genetics and Genomics, ARUP Laboratories
Classification: Benign. Last evaluated: 2025-05-29. Review status: criteria provided, single submitter. Criteria: ARUP Molecular Germline Variant Investigation Process 2024. Collection method: clinical testing. Allele origin: germline.

Molecular Diagnostic Laboratory for Inherited Cardiovascular Disease, Montreal Heart Institute
Classification: Benign. Last evaluated: 2025-04-09. Review status: criteria provided, single submitter. Criteria: ACMG Guidelines, 2015. Collection method: clinical testing. Allele origin: germline. Affected: no.

Blueprint Genetics
Classification: Benign. Last evaluated: 2024-11-27. Review status: criteria provided, single submitter. Criteria: ACMG Guidelines, 2015. Collection method: clinical testing. Allele origin: germline.

All of Us Research Program, National Institutes of Health
Classification: Benign for Marfan syndrome. Last evaluated: 2024-09-27. Review status: criteria provided, single submitter. Criteria: ACMG Guidelines, 2015. Collection method: clinical testing. Allele origin: germline. Inheritance: Autosomal dominant inheritance. Observed: 3,907 variant alleles, 3,647 heterozygotes, 260 homozygotes.
Comment: This study involves interpretation of variants in research participants for the purpose of population health screening. Participant phenotype was not available at the time of variant classification. Additional details can be found in publication PMID: 35346344, PMCID: PMC8962531

Genome Diagnostics Laboratory, The Hospital for Sick Children
Classification: Benign for Connective tissue disorder. Last evaluated: 2022-07-14. Review status: criteria provided, single submitter. Criteria: ACMG Guidelines, 2015. Collection method: clinical testing. Allele origin: germline.

Laboratory for Molecular Medicine, Mass General Brigham Personalized Medicine
Classification: Benign. Last evaluated: 2021-08-13. Review status: criteria provided, single submitter. Criteria: ACMG Guidelines, 2015. Collection method: clinical testing. Allele origin: germline.
Comment: The p.Pro1148Ala variant in FBN1 is classified as benign because it has been identified in 24% (4787/19944) of East Asian chromosomes, including 593 homozygotes, by gnomAD. ACMG/AMP Criteria applied: BA1.

CHEO Genetics Diagnostic Laboratory, Children's Hospital of Eastern Ontario
Classification: Benign for Familial thoracic aortic aneurysm and aortic dissection. Last evaluated: 2018-10-03. Review status: criteria provided, single submitter. Criteria: ACMG Guidelines, 2015. Collection method: clinical testing. Allele origin: germline.

Color Diagnostics, LLC DBA Color Health
Classification: Benign for Familial thoracic aortic aneurysm and aortic dissection. Last evaluated: 2018-03-19. Review status: criteria provided, single submitter. Criteria: ACMG Guidelines, 2015. Collection method: clinical testing. Allele origin: germline.

Illumina Laboratory Services, Illumina
Classification: Benign for Marfan syndrome. Last evaluated: 2018-03-06. Review status: criteria provided, single submitter. Criteria: ICSL Variant Classification Criteria 13 December 2019. Collection method: clinical testing. Allele origin: germline.
Comment: This variant was observed in the ICSL laboratory as part of a predisposition screen in an ostensibly healthy population. It had not been previously curated by ICSL or reported in the Human Gene Mutation Database (HGMD: prior to June 1st, 2018), and was therefore a candidate for classification through an automated scoring system. Utilizing variant allele frequency, disease prevalence and penetrance estimates, and inheritance mode, an automated score was calculated to assess if this variant is too frequent to cause the disease. Based on the score and internal cut-off values, a variant classified as benign is not then subjected to further curation. The score for this variant resulted in a classification of benign for this disease.

Illumina Laboratory Services, Illumina
Classification: Benign for Weill-Marchesani syndrome. Last evaluated: 2018-03-06. Review status: criteria provided, single submitter. Criteria: ICSL Variant Classification Criteria 13 December 2019. Collection method: clinical testing. Allele origin: germline.
Comment: the same text as in the submission from Illumina Laboratory Services, Illumina above.

Illumina Laboratory Services, Illumina
Classification: Benign for Familial thoracic aortic aneurysm and aortic dissection. Last evaluated: 2018-03-06. Review status: criteria provided, single submitter. Criteria: ICSL Variant Classification Criteria 13 December 2019. Collection method: clinical testing. Allele origin: germline.
Comment: the same text as in the submission from Illumina Laboratory Services, Illumina above.

Illumina Laboratory Services, Illumina
Classification: Benign for Stiff skin syndrome. Last evaluated: 2018-03-06. Review status: criteria provided, single submitter. Criteria: ICSL Variant Classification Criteria 13 December 2019. Collection method: clinical testing. Allele origin: germline.
Comment: the same text as in the submission from Illumina Laboratory Services, Illumina above.

Illumina Laboratory Services, Illumina
Classification: Benign for Geleophysic dysplasia. Last evaluated: 2018-03-06. Review status: criteria provided, single submitter. Criteria: ICSL Variant Classification Criteria 13 December 2019. Collection method: clinical testing. Allele origin: germline.
Comment: the same text as in the submission from Illumina Laboratory Services, Illumina above.

Illumina Laboratory Services, Illumina
Classification: Benign for Ectopia lentis 1, isolated, autosomal dominant. Last evaluated: 2018-03-06. Review status: criteria provided, single submitter. Criteria: ICSL Variant Classification Criteria 13 December 2019. Collection method: clinical testing. Allele origin: germline.
Comment: the same text as in the submission from Illumina Laboratory Services, Illumina above.

Illumina Laboratory Services, Illumina
Classification: Benign for Acromicric dysplasia. Last evaluated: 2018-03-06. Review status: criteria provided, single submitter. Criteria: ICSL Variant Classification Criteria 13 December 2019. Collection method: clinical testing. Allele origin: germline.
Comment: the same text as in the submission from Illumina Laboratory Services, Illumina above.

CSER _CC_NCGL, University of Washington
Classification: Benign for Marfan Syndrome. Last evaluated: 2015-03-11. Review status: criteria provided, single submitter. Criteria: Amendola et al. (Genome Res. 2015). Collection method: research. Allele origin: germline. Inheritance: Autosomal dominant inheritance. Study: CSER - NEXT Medicine variant annotation.

Ambry Genetics
Classification: Benign for Familial thoracic aortic aneurysm and aortic dissection. Last evaluated: 2015-02-19. Review status: criteria provided, single submitter. Criteria: Ambry Variant Classification Scheme 2023. Collection method: clinical testing. Allele origin: germline.

Eurofins Ntd Llc (ga)
Classification: Benign. Last evaluated: 2014-06-26. Review status: criteria provided, single submitter. Criteria: EGL Classification Definitions 2015. Collection method: clinical testing. Allele origin: germline. Observed: 3 variant alleles, 3 heterozygotes.

Mayo Clinic Laboratories, Mayo Clinic
Classification: Benign. Last evaluated: 2014-04-18. Review status: criteria provided, single submitter. Criteria: ACMG Guidelines, 2015. Collection method: clinical testing. Allele origin: germline. Observed: 40 variant alleles.

GeneDx
Classification: Benign. Last evaluated: 2013-03-08. Review status: criteria provided, single submitter. Criteria: GeneDx Variant Classification (06012015). Collection method: clinical testing. Allele origin: germline. Affected: yes.
Comment: This variant is considered likely benign or benign based on one or more of the following criteria: it is a conservative change, it occurs at a poorly conserved position in the protein, it is predicted to be benign by multiple in silico algorithms, and/or has population frequency not consistent with disease.

Breakthrough Genomics
Classification: Benign. Review status: criteria provided, single submitter. Criteria: ACMG Guidelines, 2015. Collection method: not provided. Allele origin: germline. Inheritance: Autosomal dominant inheritance. Affected: yes.

PreventionGenetics, part of Exact Sciences
Classification: Benign. Review status: criteria provided, single submitter. Criteria: ACMG Guidelines, 2015. Collection method: clinical testing. Allele origin: germline.

Women's Health and Genetics/Laboratory Corporation of America, LabCorp
Classification: Benign for Marfan's syndrome. Last evaluated: 2013-03-12. Review status: no assertion criteria provided. Collection method: clinical testing. Allele origin: germline. Not counted in ClinVar's aggregate classification.

OMIM
Classification: Benign for FNB1 POLYMORPHISM. Last evaluated: 1997-05-01. Review status: no assertion criteria provided. Collection method: literature only. Allele origin: germline. Not counted in ClinVar's aggregate classification.

Genome Diagnostics Laboratory, Amsterdam University Medical Center
Classification: Benign. Review status: no assertion criteria provided. Collection method: clinical testing. Allele origin: germline. Affected: yes. Study: VKGL Data-share Consensus. Not counted in ClinVar's aggregate classification.

Laboratory of Diagnostic Genome Analysis, Leiden University Medical Center (LUMC)
Classification: Benign. Review status: no assertion criteria provided. Collection method: clinical testing. Allele origin: germline. Affected: yes. Study: VKGL Data-share Consensus. Not counted in ClinVar's aggregate classification.

Literature cited by the submitters: PubMed 8281141 (cited by Laboratory for Molecular Medicine, Mass General Brigham Personalized Medicine and OMIM); PubMed 11524736 (cited by Laboratory for Molecular Medicine, Mass General Brigham Personalized Medicine); PubMed 9876915 (cited by Laboratory for Molecular Medicine, Mass General Brigham Personalized Medicine); PubMed 8430317 (cited by OMIM); PubMed 8563763 (cited by OMIM); PubMed 9150726 (cited by OMIM); PubMed 9338588 (cited by OMIM); PubMed 8988160 (cited by OMIM).